The following is an entry in ClinVar:

NM_001040108.2(MLH3):c.349A>G (p.Met117Val)

Gene: MLH3 (mutL homolog 3; minus strand). Cytogenetic location: 14q24.3.
Variant type: single nucleotide variant.
Coding change: c.349A>G on transcript NM_001040108.2 (MANE Select); coding-DNA position 349, A replaced by G.
Protein change: p.Met117Val; replaces methionine 117 with valine.
Molecular consequence: missense variant.
Genome position (GRCh38, 1-based): chr14:75,049,307, T>C on the plus strand (A>G on the coding strand, the complement: MLH3 is on the minus strand). VCF-style: chr14-75049307-T-C. GRCh37 (hg19) VCF-style: chr14-75516010-T-C.
Other names: c.349A>G, p.Met117Val (NM_014381.3); short protein forms M117V.
Identifiers: ClinVar variation 2065800 (VCV002065800.6), dbSNP rs2503330623, ClinGen allele CA390450864.

ClinVar aggregate classification (germline): Uncertain significance. Review status: criteria provided, multiple submitters, no conflicts (2 of 4 stars). 2 submissions from 2 submitters: Uncertain significance (2). Last evaluated 2025-05-27.

Conditions:
Colorectal cancer, hereditary nonpolyposis, type 7. Identifiers: Orphanet 144, MedGen C1858380, MONDO:0013725, OMIM 614385.

Submissions (2):

Labcorp Genetics (formerly Invitae), Labcorp
Classification: Uncertain significance for Colorectal cancer, hereditary nonpolyposis, type 7. Last evaluated: 2025-05-27. Review status: criteria provided, single submitter. Criteria: Invitae Variant Classification Sherloc (09022015). Collection method: clinical testing. Allele origin: germline.
Comment: This sequence change replaces methionine, which is neutral and non-polar, with valine, which is neutral and non-polar, at codon 117 of the MLH3 protein (p.Met117Val). This variant is not present in population databases (gnomAD no frequency). This variant has not been reported in the literature in individuals affected with MLH3-related conditions. ClinVar contains an entry for this variant (Variation ID: 2065800). An algorithm developed to predict the effect of missense changes on protein structure and function outputs the following: PolyPhen-2: "Benign". The valine amino acid residue is found in multiple mammalian species, which suggests that this missense change does not adversely affect protein function. In summary, the available evidence is currently insufficient to determine the role of this variant in disease. Therefore, it has been classified as a Variant of Uncertain Significance.

Ambry Genetics
Classification: Uncertain significance. Last evaluated: 2023-03-29. Review status: criteria provided, single submitter. Criteria: Ambry Variant Classification Scheme 2023. Collection method: clinical testing. Allele origin: germline.
Comment: The p.M117V variant (also known as c.349A>G), located in coding exon 1 of the MLH3 gene, results from an A to G substitution at nucleotide position 349. The methionine at codon 117 is replaced by valine, an amino acid with highly similar properties. This amino acid position is conserved. In addition, this alteration is predicted to be tolerated by in silico analysis. Since supporting evidence is limited at this time, the clinical significance of this alteration remains unclear.